The following is an entry in ClinVar:

NM_000255.4(MMUT):c.1349A>G (p.Glu450Gly)

Gene: MMUT (methylmalonyl-CoA mutase; minus strand). Cytogenetic location: 6p12.3.
Variant type: single nucleotide variant.
Coding change: c.1349A>G on transcript NM_000255.4 (MANE Select); coding-DNA position 1349, A replaced by G.
Protein change: p.Glu450Gly; replaces glutamic acid 450 with glycine.
Molecular consequence: missense variant.
Genome position (GRCh38, 1-based): chr6:49,448,911, T>C on the plus strand (A>G on the coding strand, the complement: MMUT is on the minus strand). VCF-style: chr6-49448911-T-C. GRCh37 (hg19) VCF-style: chr6-49416624-T-C.
Other names: short protein forms E450G.
Identifiers: ClinVar variation 3769465 (VCV003769465.2).

ClinVar aggregate classification (germline): Uncertain significance (1 of 4 stars; one submission).

Submission:

Women's Health and Genetics/Laboratory Corporation of America, LabCorp
Classification: Uncertain significance. Last evaluated: 2025-01-23. Review status: criteria provided, single submitter. Criteria: LabCorp Variant Classification Summary - May 2015. Collection method: clinical testing. Allele origin: germline.
Comment: Variant summary: MMUT c.1349A>G (p.Glu450Gly) results in a non-conservative amino acid change located in the methylmalonyl-CoA mutase domain (IPR006099) of the encoded protein sequence. Five of five in-silico tools predict a damaging effect of the variant on protein function. The variant allele was found at a frequency of 1.2e-06 in 1611580 control chromosomes. The available data on variant occurrences in the general population are insufficient to allow any conclusion about variant significance. c.1349A>G has been reported in the literature in at least one compound heterozygous individual affected with methylmalonic acidemia (e.g., Yu_2021). These data do not allow any conclusion about variant significance. To our knowledge, no experimental evidence demonstrating an impact on protein function has been reported. The following publication has been ascertained in the context of this evaluation (PMID: 34668645). No submitters have cited clinical-significance assessments for this variant to ClinVar. Based on the evidence outlined above, the variant was classified as uncertain significance.

Literature cited by the submitters: PubMed 34668645.